The following is an entry in ClinVar:

ClinVar aggregate classification (germline): Pathogenic/Likely pathogenic. Review status: criteria provided, multiple submitters, no conflicts (2 of 4 stars). 2 submissions from 2 submitters: Pathogenic (1); Likely pathogenic (1). Last evaluated 2022-06-13.

Conditions:
Lethal tight skin contracture syndrome. Also called: RESTRICTIVE DERMOPATHY, LETHAL; Restrictive dermopathy. Identifiers: Orphanet 1662, MedGen C0406585, MONDO:0031213.
ZMPSTE24-related disorder. Also called: ZMPSTE24-related disorders; ZMPSTE24-related condition. Identifiers: MedGen CN239425.

Submissions (2):

MGZ Medical Genetics Center
Classification: Pathogenic for Restrictive dermopathy 1. Last evaluated: 2022-06-13. Review status: criteria provided, single submitter. Criteria: ACMG Guidelines, 2015. Collection method: clinical testing. Allele origin: germline. Affected: yes. Observed: 2 variant alleles.
Comment: ACMG criteria applied: PVS1, PM2_SUP, PP4

Blueprint Genetics
Classification: Likely pathogenic for ZMPSTE24-related disorders. Last evaluated: 2018-09-12. Review status: criteria provided, single submitter. Criteria: ACMG Guidelines, 2015. Collection method: clinical testing. Allele origin: germline. Affected: yes. Observed: 1 variant allele.

NM_005857.5(ZMPSTE24):c.533T>A (p.Leu178Ter)

Gene: ZMPSTE24 (zinc metallopeptidase STE24; plus strand). Cytogenetic location: 1p34.2.
Variant type: single nucleotide variant.
Coding change: c.533T>A on transcript NM_005857.5 (MANE Select); coding-DNA position 533, T replaced by A.
Protein change: p.Leu178Ter; replaces leucine 178 with a stop codon.
Molecular consequence: nonsense.
Genome position (GRCh38, 1-based): chr1:40,270,033, T>A. VCF-style: chr1-40270033-T-A. GRCh37 (hg19) VCF-style: chr1-40735705-T-A.
Other names: short protein forms L178*.
Identifiers: ClinVar variation 1709555 (VCV001709555.3), dbSNP rs2522367272, ClinGen allele CA339868199.